The following is an entry in ClinVar:

NM_001369.3(DNAH5):c.5114+11T>C

Gene: DNAH5 (dynein axonemal heavy chain 5; minus strand). Cytogenetic location: 5p15.2.
Variant type: single nucleotide variant.
Coding change: c.5114+11T>C on transcript NM_001369.3 (MANE Select); 11 bases into the intron after coding-DNA position 5114, T replaced by C.
Molecular consequence: intron variant.
Genome position (GRCh38, 1-based): chr5:13,850,641, A>G on the plus strand (T>C on the coding strand, the complement: DNAH5 is on the minus strand). VCF-style: chr5-13850641-A-G. GRCh37 (hg19) VCF-style: chr5-13850750-A-G.
Identifiers: ClinVar variation 163150 (VCV000163150.24), dbSNP rs6554820, ClinGen allele CA175794.
Genomic context (GRCh38, chr5:13,850,641, plus strand): 5'-ATGCTATCTAGTCTCCCTGTATCCTTTTGTCTCAAGGATACCGAGAGCTTTCAAAGAGCC[A>G]GTGAACTTACCCAGTAAGGGATTTCTGGCATATTTCCAACTGGTCCAGCAAGTGTGGTAA-3'

ClinVar aggregate classification (germline): Benign/Likely benign. Review status: criteria provided, multiple submitters, no conflicts (2 of 4 stars). 9 submissions from 9 submitters: Benign (8); Likely benign (1). Last evaluated 2026-02-04.

Conditions:
Primary ciliary dyskinesia. Also called: Ciliary dyskinesia. Identifiers: Orphanet 244, MedGen C0008780, MONDO:0016575, HP:0012265.
Primary ciliary dyskinesia 3. Identifiers: Orphanet 244, MedGen C1837618, MONDO:0012085, OMIM 608644.

Allele frequency attached by ClinVar (database versions not stated): 1000 Genomes Project 30x 0.33932; 1000 Genomes Project 0.34185; TOPMed 0.35452; gnomAD 0.37240 and 0.37408; ESP Exome Variant Server 0.37806; gnomAD exomes 0.38392 and 0.40941; ExAC 0.39178.
gnomAD v4.1: 653,436 of 1,611,744 alleles (41%); highest among the groups gnomAD compares: South Asian, 47%; 134,911 homozygotes.

Submissions (9):

Labcorp Genetics (formerly Invitae), Labcorp
Classification: Benign for Primary ciliary dyskinesia. Last evaluated: 2026-02-04. Review status: criteria provided, single submitter. Criteria: Invitae Variant Classification Sherloc (09022015). Collection method: clinical testing. Allele origin: germline.

Blueprint Genetics
Classification: Likely benign. Last evaluated: 2024-11-26. Review status: criteria provided, single submitter. Criteria: ACMG Guidelines, 2015. Collection method: clinical testing. Allele origin: germline.

Genome-Nilou Lab
Classification: Benign for Primary ciliary dyskinesia 3. Last evaluated: 2021-07-30. Review status: criteria provided, single submitter. Criteria: ACMG Guidelines, 2015. Collection method: clinical testing. Allele origin: germline. Affected: no.

Pars Genome Lab
Classification: Benign for Primary ciliary dyskinesia 3. Last evaluated: 2021-06-15. Review status: criteria provided, single submitter. Criteria: ACMG Guidelines, 2015. Collection method: clinical testing. Allele origin: germline. Affected: no.

GeneDx
Classification: Benign. Last evaluated: 2018-11-11. Review status: criteria provided, single submitter. Criteria: GeneDx Variant Classification Process June 2021. Collection method: clinical testing. Allele origin: germline. Affected: yes.

Illumina Laboratory Services, Illumina
Classification: Benign for Primary ciliary dyskinesia 3. Last evaluated: 2018-01-12. Review status: criteria provided, single submitter. Criteria: ICSL Variant Classification Criteria 13 December 2019. Collection method: clinical testing. Allele origin: germline.
Comment: This variant was observed in the ICSL laboratory as part of a predisposition screen in an ostensibly healthy population. It had not been previously curated by ICSL or reported in the Human Gene Mutation Database (HGMD: prior to June 1st, 2018), and was therefore a candidate for classification through an automated scoring system. Utilizing variant allele frequency, disease prevalence and penetrance estimates, and inheritance mode, an automated score was calculated to assess if this variant is too frequent to cause the disease. Based on the score and internal cut-off values, a variant classified as benign is not then subjected to further curation. The score for this variant resulted in a classification of benign for this disease.

Laboratory for Molecular Medicine, Mass General Brigham Personalized Medicine
Classification: Benign. Last evaluated: 2013-02-21. Review status: criteria provided, single submitter. Criteria: LMM Criteria. Collection method: clinical testing. Allele origin: germline. Observed: 65 variant alleles.
Comment: 5114+11T>C in intron 31 of DNAH5: This variant is not expected to have clinical significance because it is not located within the conserved splice consensus seq uence. It has been identified in 41.7% (3583/8600) of European American chromoso mes from a broad population by the NHLBI Exome Sequencing Project (.; dbSNP rs6554820).

Breakthrough Genomics
Classification: Benign. Review status: criteria provided, single submitter. Criteria: ACMG Guidelines, 2015. Collection method: not provided. Allele origin: germline. Inheritance: Autosomal recessive inheritance. Affected: yes.

PreventionGenetics, part of Exact Sciences
Classification: Benign. Review status: criteria provided, single submitter. Criteria: ACMG Guidelines, 2015. Collection method: clinical testing. Allele origin: germline.